The following is an entry in ClinVar:

NM_024740.2(ALG9):c.739A>G (p.Arg247Gly)

Gene: ALG9 (ALG9 alpha-1,2-mannosyltransferase; minus strand). Cytogenetic location: 11q23.1.
Variant type: single nucleotide variant.
Coding change: c.739A>G on transcript NM_024740.2 (MANE Select); coding-DNA position 739, A replaced by G.
Protein change: p.Arg247Gly; replaces arginine 247 with glycine.
Molecular consequence: missense variant. On other transcripts: non-coding transcript variant (1).
Genome position (GRCh38, 1-based): chr11:111,853,699, T>C on the plus strand (A>G on the coding strand, the complement: ALG9 is on the minus strand). VCF-style: chr11-111853699-T-C. GRCh37 (hg19) VCF-style: chr11-111724422-T-C.
Other names: c.739A>G, p.Arg247Gly (NM_001077690.1, NM_001352417.1, NM_001352418.1); c.226A>G, p.Arg76Gly (NM_001077691.2, NM_001077692.2, NM_001352409.1 and 11 more transcripts); c.151A>G, p.Arg51Gly (NM_001352422.2); short protein forms R247G, R76G, R51G.
Identifiers: ClinVar variation 2110576 (VCV002110576.4), dbSNP rs1435439666, ClinGen allele CA382605107.

ClinVar aggregate classification (germline): Uncertain significance (1 of 4 stars; one submission).

Conditions:
ALG9 congenital disorder of glycosylation (CDG1L). Also called: CONGENITAL DISORDER OF GLYCOSYLATION, TYPE Il; ALG9-CDG; CDG Il. Identifiers: Orphanet 79328, MedGen C2931006, MONDO:0012117, OMIM 608776.

gnomAD v4.1: 1 of 1,614,160 alleles (0.000062%); highest among the groups gnomAD compares: South Asian, 0.0011%; no homozygotes.

Submission:

Labcorp Genetics (formerly Invitae), Labcorp
Classification: Uncertain significance for ALG9 congenital disorder of glycosylation. Last evaluated: 2023-10-03. Review status: criteria provided, single submitter. Criteria: Invitae Variant Classification Sherloc (09022015). Collection method: clinical testing. Allele origin: germline.
Comment: This sequence change replaces arginine, which is basic and polar, with glycine, which is neutral and non-polar, at codon 247 of the ALG9 protein (p.Arg247Gly). This variant is not present in population databases (gnomAD no frequency). This variant has not been reported in the literature in individuals affected with ALG9-related conditions. ClinVar contains an entry for this variant (Variation ID: 2110576). Experimental studies and prediction algorithms are not available or were not evaluated, and the functional significance of this variant is currently unknown. In summary, the available evidence is currently insufficient to determine the role of this variant in disease. Therefore, it has been classified as a Variant of Uncertain Significance.